The following is an entry in ClinVar:

ClinVar aggregate classification (germline): Pathogenic (1 of 4 stars; one submission).

Submission:

Labcorp Genetics (formerly Invitae), Labcorp
Classification: Pathogenic. Last evaluated: 2022-10-25. Review status: criteria provided, single submitter. Criteria: Invitae Variant Classification Sherloc (09022015). Collection method: clinical testing. Allele origin: germline.
Comment: For these reasons, this variant has been classified as Pathogenic. This variant disrupts a region of the HPS1 protein in which other variant(s) (p.Leu239Pro) have been determined to be pathogenic (PMID: 12442288, 29345414). This suggests that this is a clinically significant region of the protein, and that variants that disrupt it are likely to be disease-causing. This variant has not been reported in the literature in individuals affected with HPS1-related conditions. This variant is a gross deletion of the genomic region encompassing exon(s) 7-17 of the HPS1 gene. This variant would be expected to be in-frame, preserving the integrity of the reading frame.

Literature cited by the submitters: PubMed 12442288; PubMed 29345414.

NC_000010.10:g.(?_100182106)_(100191068_?)del

Gene: HPS1 (HPS1 biogenesis of lysosomal organelles complex 3 subunit 1; minus strand). Cytogenetic location: 10q24.2.
Variant type: Deletion.
Identifiers: ClinVar variation 2422570 (VCV002422570.4).